The following is an entry in ClinVar:

ClinVar aggregate classification (germline): Uncertain significance. Review status: criteria provided, multiple submitters, no conflicts (2 of 4 stars). 2 submissions from 2 submitters: Uncertain significance (2). Last evaluated 2022-04-01.

Conditions:
Wilson disease (WND). Also called: Wilson's disease. Identifiers: Orphanet 905, MedGen C0019202, MONDO:0010200, OMIM 277900. Disease mechanism: loss of function.

Allele frequency attached by ClinVar (database versions not stated): gnomAD 0.00001; gnomAD exomes 0.00001; ExAC 0.00005.
gnomAD v4.1: 21 of 1,614,040 alleles (0.0013%); highest among the groups gnomAD compares: South Asian, 0.022%; no homozygotes.

Submissions (2):

Labcorp Genetics (formerly Invitae), Labcorp
Classification: Uncertain significance for Wilson disease. Last evaluated: 2022-04-01. Review status: criteria provided, single submitter. Criteria: Invitae Variant Classification Sherloc (09022015). Collection method: clinical testing. Allele origin: germline.
Comment: This sequence change replaces serine, which is neutral and polar, with cysteine, which is neutral and slightly polar, at codon 1145 of the ATP7B protein (p.Ser1145Cys). This variant is present in population databases (rs754759064, gnomAD 0.03%). This variant has not been reported in the literature in individuals affected with ATP7B-related conditions. Advanced modeling of protein sequence and biophysical properties (such as structural, functional, and spatial information, amino acid conservation, physicochemical variation, residue mobility, and thermodynamic stability) performed at Invitae indicates that this missense variant is not expected to disrupt ATP7B protein function. In summary, the available evidence is currently insufficient to determine the role of this variant in disease. Therefore, it has been classified as a Variant of Uncertain Significance.

Neuberg Centre For Genomic Medicine, NCGM
Classification: Uncertain significance for Wilson disease. Review status: criteria provided, single submitter. Criteria: ACMG Guidelines, 2015. Collection method: clinical testing. Allele origin: germline. Inheritance: Autosomal dominant inheritance. Affected: yes.
Comment: The missense variant c.3434C>G p.Ser1145Cys in the ATP7B gene has not been reported previously as a pathogenic variant nor as a benign variant, to our knowledge. This variant is reported with the allele frequency 0.003% in the gnomAD Exomes and novel not in any individuals in 1000 Genomes. This variant has been reported to the ClinVar database as Uncertain Significance. However, no details are available for independent assessment. The amino acid Serine at position 1145 is changed to a Cysteine changing protein sequence and it might alter its composition and physico- chemical properties. The variant is predicted as damaging by SIFT. The amino acid change p.Ser1145Cys in ATP7B is predicted as conserved by GERP++ and PhyloP across 100 vertebrates. For these reasons, this variant has been classified as Uncertain Significance.

NM_000053.4(ATP7B):c.3434C>G (p.Ser1145Cys)

Gene: ATP7B (ATPase copper transporting beta; minus strand). Cytogenetic location: 13q14.3.
Variant type: single nucleotide variant.
Coding change: c.3434C>G on transcript NM_000053.4 (MANE Select); coding-DNA position 3434, C replaced by G.
Protein change: p.Ser1145Cys; replaces serine 1145 with cysteine.
Molecular consequence: missense variant.
Genome position (GRCh38, 1-based): chr13:51,941,203, G>C on the plus strand (C>G on the coding strand, the complement: ATP7B is on the minus strand). VCF-style: chr13-51941203-G-C. GRCh37 (hg19) VCF-style: chr13-52515339-G-C.
Other names: c.3182C>G, p.Ser1061Cys (NM_001406531.1, NM_001406532.1, NM_001330579.2); c.3146C>G, p.Ser1049Cys (NM_001406534.1); c.3104C>G, p.Ser1035Cys (NM_001406535.1, NM_001406536.1); c.3095C>G, p.Ser1032Cys (NM_001406537.1); c.3005C>G, p.Ser1002Cys (NM_001406539.1); c.2987C>G, p.Ser996Cys (NM_001406540.1); c.2948C>G, p.Ser983Cys (NM_001406541.1, NM_001406542.1); c.2813C>G, p.Ser938Cys (NM_001005918.3); and 18 more; short protein forms S1002C, S1032C, S1034C, S1035C, S1049C, S1061C, S1065C, S1067C.
Identifiers: ClinVar variation 2415623 (VCV002415623.4), dbSNP rs754759064, ClinGen allele CA6988684.